The following is an entry in ClinVar:

NM_000152.5(GAA):c.1548G>A (p.Trp516Ter)

Gene: GAA (alpha glucosidase; plus strand). Cytogenetic location: 17q25.3.
Variant type: single nucleotide variant.
Coding change: c.1548G>A on transcript NM_000152.5 (MANE Select); coding-DNA position 1548, G replaced by A.
Protein change: p.Trp516Ter; replaces tryptophan 516 with a stop codon.
Molecular consequence: nonsense.
Genome position (GRCh38, 1-based): chr17:80,110,837, G>A. VCF-style: chr17-80110837-G-A. GRCh37 (hg19) VCF-style: chr17-78084636-G-A.
Other names: c.1548G>A, p.Trp516Ter (NM_001079803.3, NM_001079804.3); short protein forms W516*.
Identifiers: ClinVar variation 189025 (VCV000189025.85), dbSNP rs140826989, ClinGen allele CA274281.
Genomic context (GRCh38, chr17:80,110,837, plus strand): 5'-GGCCTGGTGGGAGGACATGGTGGCTGAGTTCCATGACCAGGTGCCCTTCGACGGCATGTG[G>A]ATTGTAAGTGTGGCCCCCTCCTGAGCATCCCCAAGGCCTCTGGGGACTACCCCACCCTCC-3'

ClinVar aggregate classification (germline): Pathogenic. Review status: reviewed by expert panel (3 of 4 stars). 23 submissions from 23 submitters: Pathogenic (1). 22 of the submissions do not count toward it. Last evaluated 2020-02-14.

Conditions:
GAA-related disorder. Also called: GAA-related condition.
Glycogen storage disease, type II (IOPD). Also called: Glucosidase acid-1,4-alpha deficiency; CARDIOMEGALIA GLYCOGENICA DIFFUSA; GLYCOGENOSIS, GENERALIZED, CARDIAC FORM; GSD II; Pompe Disease; Glycogen storage disease type 2. Identifiers: Orphanet 365, MedGen C0017921, MONDO:0009290, OMIM 232300.

Allele frequency attached by ClinVar (database versions not stated): gnomAD exomes below 0.00001 and 0.00005; TOPMed 0.00003; gnomAD 0.00004; ESP Exome Variant Server 0.00008.
gnomAD v4.1: 80 of 1,614,006 alleles (0.005%); highest among the groups gnomAD compares: Non-Finnish European, 0.0065%; no homozygotes.

Submissions 1 to 9 of 23:

ClinGen Lysosomal Storage Disorder Variant Curation Expert Panel
Classification: Pathogenic for Glycogen storage disease, type II. Last evaluated: 2020-02-14. Review status: reviewed by expert panel. Criteria: ClinGen LSD ACMG Specifications v1. Collection method: curation. Allele origin: germline. Inheritance: Autosomal recessive inheritance.
Comment: This variant, c.1548G>A (p.Trp516Ter), is a nonsense variant that is expected to result in nonsense mediated decay and absence of gene product. This is supported by the lack of cross reactive immunological material in cultured fibroblasts from a patient with this variant (PMID 22252923). Therefore, PVS1 can be applied. The highest population minor allele frequency for this variant in gnomAD v2.1.1 is 0.00002 in the European non-Finnish population, meeting the ClinGen LSD VCEP's threshold for PM2. This variant is reported to be in compound heterozygosity with a unique pathogenic variant (c.-32-13T>G, c.525delT, or c.2481+1022_646+31del) in three patients who also meet the ClinGen LSD VCEP's specifications for PP4 (PMID 20826098, 22237443, 25243733). In one of these patients, the variants were confirmed to be in trans (PMID 25243733). Therefore, PP4 and PM3_Strong can be applied. Additional cases have been reported but were not included because the residual GAA activity was not provided (and therefore PP4 cannot be assessed) (PMIDs 24715333, 29181627, 30155607), full HGVS nomenclature was not provided (PMID 25626711), a case with the same variant (not confirmed in trans) had already been included (PMID 29122469), or the second variant is a variant of unknown significance (PMID 26873529). There is a ClinVar entry for this variant (Variation ID: 189025, 2 star review status) with 5 submitters classifying the variant as pathogenic and one as likely pathogenic. In summary, this variant meets the criteria to be classified as pathogenic for Pompe disease. GAA-specific ACMG/AMP criteria applied, as specified by the ClinGen LSD VCEP: PVS1, PM2, PM3_Strong, PP4.

PreventionGenetics, part of Exact Sciences
Classification: Pathogenic for GAA-related condition. Last evaluated: 2026-08-10. Review status: criteria provided, single submitter. Criteria: ACMG Guidelines, 2015. Collection method: clinical testing. Allele origin: germline. Not counted in ClinVar's aggregate classification.
Comment: The GAA c.1548G>A variant is predicted to result in premature protein termination (p.Trp516*). This variant has been reported in multiple unrelated patients with glycogen storage disease type II also known as Pompe disease (see for example, Hermans et al. 2004. PubMed ID: 14695532; Pfrimmer et al. 2024. PubMed ID: 38043017; Theunissen et al. 2026. PubMed ID: 41979053). Additionally, this variant showed lack of cross reactive immunological material in cultured fibroblasts (Bali et al. 2012. PubMed ID 22252923). This variant is reported in 0.0016% of alleles in individuals of European (non-Finnish) descent in gnomAD and is classified as pathogenic by an expert panel in ClinVar (Variation ID: 189025). Nonsense variants in GAA are expected to be pathogenic. This variant is interpreted as pathogenic.

Genomenon, Inc
Classification: Pathogenic for Glycogen storage disease, type II. Last evaluated: 2026-07-01. Review status: criteria provided, single submitter. Criteria: Genomenon Sequence Variant Interpretation Standards - Updated. Collection method: curation. Allele origin: germline. Affected: yes. Not counted in ClinVar's aggregate classification.
Comment: GAA p.Trp516Ter (c.1548G>A) is a nonsense variant that introduces a premature stop codon at amino acid position 516 and is predicted to result in a truncated or absent protein product. This variant has been observed in at least one proband with a GAA-related disorder (PMID:38313679;38043017;37087815;36299500;35477515;34852371;34952985;34927739;34357340;33996274;33073009;32888769;32849613;32248831;31545528). It is absent or not present at a significant frequency in gnomAD. In conclusion, we classify GAA p.Trp516Ter (c.1548G>A) as a pathogenic variant.

Labcorp Genetics (formerly Invitae), Labcorp
Classification: Pathogenic for Glycogen storage disease, type II. Last evaluated: 2025-12-27. Review status: criteria provided, single submitter. Criteria: Invitae Variant Classification Sherloc (09022015). Collection method: clinical testing. Allele origin: germline. Not counted in ClinVar's aggregate classification.
Comment: This sequence change creates a premature translational stop signal (p.Trp516*) in the GAA gene. It is expected to result in an absent or disrupted protein product. Loss-of-function variants in GAA are known to be pathogenic (PMID: 18425781, 22252923). This variant is present in population databases (rs140826989, gnomAD 0.002%). This premature translational stop signal has been observed in individual(s) with Pompe disease and low alpha-glucosidase enzyme activity (PMID: 14695532, 22676651, 24715333, 25243733, 29122469, 29181627). ClinVar contains an entry for this variant (Variation ID: 189025). For these reasons, this variant has been classified as Pathogenic.

Natera, Inc.
Classification: Pathogenic for Glycogen storage disease type II. Last evaluated: 2025-02-07. Review status: criteria provided, single submitter. Criteria: Natera Variant Classification Schema (03/2026). Collection method: clinical testing. Allele origin: germline. Not counted in ClinVar's aggregate classification.
Comment: The c.1548G>A variant in GAA is a nonsense variant predicted to introduce a stop codon at amino acid 516. This variant is expected to result in nonsense mediated decay, truncation, or a dysfunctional protein product. This variant is rare in the general population with a frequency below the threshold expected for the associated phenotype(s). This variant has been observed in one or more individuals affected with the associated recessive disease, as either homozygous or compound heterozygous with a second variant (PMID: 20826098, 26497565, 24715333). Given the available evidence, this variant is classified as Pathogenic.

Clinical Genomics Laboratory, Washington University in St. Louis
Classification: Pathogenic for Glycogen storage disease, type II. Last evaluated: 2024-10-31. Review status: criteria provided, single submitter. Criteria: ACMG Guidelines, 2015. Collection method: clinical testing. Allele origin: germline. Affected: yes. Not counted in ClinVar's aggregate classification.
Comment: The GAA c.1548G>A (p.Trp516*) variant has been reported in at least three individuals affected by glycogen storage disease II (Pompe disease) who were compound heterozygous for this variant and a pathogenic or likely pathogenic variant, with one case confirmed in trans (Bergsma AJ et al., PMID: 25243733; Messinger YH et al., PMID: 22237443; de Vries JM et al., PMID: 20826098). This variant has been reported in the ClinVar database as a pathogenic variant by eighteen submitters, including an expert panel, and as likely pathogenic by one submitter (Variation ID: 189025; Goldstein JL et al., PMID: 37907381). This variant leads to a premature termination codon, which is predicted to lead to nonsense mediated decay. This variant is only observed on 1 out of 13,006 alleles in the general population (gnomAD v.2.1.1), indicating it is not a common variant. Based on available information and the specific GAA-ACMG/AMP guidelines for variant interpretation (Goldstein JL et al., PMID: 37907381; Richards S et al., PMID: 25741868), this variant is classified as pathogenic.

Genetic Services Laboratory, University of Chicago
Classification: Pathogenic. Last evaluated: 2024-06-19. Review status: criteria provided, single submitter. Criteria: ACMG Guidelines, 2015. Collection method: clinical testing. Allele origin: germline. Affected: yes. Not counted in ClinVar's aggregate classification.
Comment: The c.1548G>A sequence change results in the creation of a premature stop codon at amino acid residue 516, p.Trp516*. This sequence change is predicted to result in an abnormal, truncated GAA transcript that is likely to result in mRNA nonsense-mediated decay and no protein production. Loss of function is a known disease mechanism for Pompe disease. This pathogenic sequence change has previously been identified in the compound heterozygous state with other pathogenic variants in several individuals with Pompe disease (PMID: 20826098, 22237443, 25243733). This sequence change has been described in the gnomAD database with an overall population frequency of 0.0007%. Collectively, this evidence indicates that this sequence change is pathogenic.

Fulgent Genetics
Classification: Pathogenic for Glycogen storage disease, type II. Last evaluated: 2024-06-11. Review status: criteria provided, single submitter. Criteria: ACMG Guidelines, 2015. Collection method: clinical testing. Allele origin: germline. Not counted in ClinVar's aggregate classification.

Revvity Omics, Revvity
Classification: Pathogenic. Last evaluated: 2024-04-23. Review status: criteria provided, single submitter. Criteria: ACMG Guidelines, 2015. Collection method: clinical testing. Allele origin: germline. Not counted in ClinVar's aggregate classification.